The following is an entry in ClinVar:

NM_000143.4(FH):c.668_669del (p.Lys223fs)

Gene: FH (fumarate hydratase; minus strand). Cytogenetic location: 1q43.
Variant type: Deletion.
Coding change: c.668_669del on transcript NM_000143.4 (MANE Select); coding-DNA positions 668 to 669, 2 bases deleted (AA; older notation c.668_669delAA).
Protein change: p.Lys223fs; shifts the reading frame from lysine 223.
Molecular consequence: frameshift variant.
Genome position (GRCh38, 1-based): chr1:241,508,672-241,508,673, TT deleted on the plus strand (AA on the coding strand, the reverse complement: FH is on the minus strand); deleting any 2 consecutive bases within chr1:241,508,672-241,508,674 gives the same sequence; the c. name uses the placement nearest the transcript's 3' end. VCF-style (leftmost placement, unchanged base first): chr1-241508671-CTT-C. GRCh37 (hg19) VCF-style: chr1-241671971-CTT-C.
Other names: p.Lys223Argfs*26; c.668_669delAA (NM_000143.3); short protein forms K223fs.
Identifiers: ClinVar variation 265147 (VCV000265147.14), dbSNP rs886039364, ClinGen allele CA10588291.

ClinVar aggregate classification (germline): Pathogenic/Likely pathogenic. Review status: criteria provided, multiple submitters, no conflicts (2 of 4 stars). 6 submissions from 6 submitters: Pathogenic (4); Likely pathogenic (2). Last evaluated 2025-07-15.

Conditions:
Hereditary cancer-predisposing syndrome. Also called: Tumor predisposition; Hereditary neoplastic syndrome; Neoplastic Syndromes, Hereditary; Hereditary Cancer Syndrome. Identifiers: Orphanet 140162, MedGen C0027672, MeSH D009386, MONDO:0015356.
Hereditary leiomyomatosis and renal cell cancer. Also called: Multiple cutaneous leiomyomas; MULTIPLE CUTANEOUS AND UTERINE LEIOMYOMATA 1, WITH OR WITHOUT RENAL CELL CARCINOMA; FH tumor predisposition syndrome; LEIOMYOMA, MULTIPLE CUTANEOUS; Reed syndrome; Multiple cutaneous and uterine leiomyomatosis. Identifiers: Orphanet 523, MedGen C1708350, MONDO:0007888, OMIM 150800, HP:0007437. Disease mechanism: loss of function.
Fumarase deficiency (FMRD). Also called: Fumaric aciduria; Fumarate Hydratase Deficiency. Identifiers: Orphanet 24, MedGen C0342770, MONDO:0011730, OMIM 606812.

Submissions (6):

Labcorp Genetics (formerly Invitae), Labcorp
Classification: Pathogenic. Last evaluated: 2025-07-15. Review status: criteria provided, single submitter. Criteria: Invitae Variant Classification Sherloc (09022015). Collection method: clinical testing. Allele origin: germline.
Comment: This sequence change creates a premature translational stop signal (p.Lys223Argfs*26) in the FH gene. It is expected to result in an absent or disrupted protein product. Loss-of-function variants in FH are known to be pathogenic (PMID: 11865300, 21398687). This variant is not present in population databases (gnomAD no frequency). This variant has not been reported in the literature in individuals affected with FH-related conditions. ClinVar contains an entry for this variant (Variation ID: 265147). For these reasons, this variant has been classified as Pathogenic.

Ambry Genetics
Classification: Pathogenic for Hereditary cancer-predisposing syndrome. Last evaluated: 2025-02-11. Review status: criteria provided, single submitter. Criteria: Ambry Variant Classification Scheme 2023. Collection method: clinical testing. Allele origin: germline.
Comment: The c.668_669delAA pathogenic mutation, located in coding exon 5 of the FH gene, results from a deletion of two nucleotides at nucleotide positions 668 to 669, causing a translational frameshift with a predicted alternate stop codon (p.K223Rfs*26). This variant is considered to be rare based on population cohorts in the Genome Aggregation Database (gnomAD). This alteration is expected to result in loss of function by premature protein truncation or nonsense-mediated mRNA decay. As such, this alteration is interpreted as a disease-causing mutation.

Baylor Genetics
Classification: Likely pathogenic for Fumarase deficiency. Last evaluated: 2023-08-15. Review status: criteria provided, single submitter. Criteria: ACMG Guidelines, 2015. Collection method: clinical testing. Allele origin: unknown.

Myriad Genetics, Inc.
Classification: Pathogenic for Hereditary leiomyomatosis and renal cell cancer. Last evaluated: 2023-07-05. Review status: criteria provided, single submitter. Criteria: Myriad Autosomal Dominant, Autosomal Recessive and X-Linked Classification Criteria (2023). Collection method: clinical testing. Allele origin: unknown.
Comment: This variant is considered pathogenic. This variant creates a frameshift predicted to result in premature protein truncation.

Mayo Clinic Laboratories, Mayo Clinic
Classification: Likely pathogenic. Last evaluated: 2022-09-30. Review status: criteria provided, single submitter. Criteria: ACMG Guidelines, 2015. Collection method: clinical testing. Allele origin: germline. Observed: 1 variant allele.
Comment: PM2, PVS1

GeneDx
Classification: Pathogenic. Last evaluated: 2015-04-07. Review status: criteria provided, single submitter. Criteria: GeneDx Variant Classification (06012015). Collection method: clinical testing. Allele origin: germline. Affected: yes.
Comment: The c.668_669delAA variant in the FH gene causes a frameshift starting with codon Lysine 223, changes this amino acid to a Arginine residue and creates a premature Stop codon at position 26 of the new reading frame, denoted p.Lys223ArgfsX26. This variant is predicted to cause loss of normal protein function either through protein truncation or nonsense-mediated mRNA decay. Although this variant has not been previously reported to our knowledge, we interpret it to be pathogenic.

Literature cited by the submitters: PubMed 11865300 (cited by Labcorp Genetics (formerly Invitae), Labcorp); PubMed 21398687 (cited by Labcorp Genetics (formerly Invitae), Labcorp); PubMed 34604083 (cited by Ambry Genetics).